The following is an entry in ClinVar:

NM_000742.4(CHRNA2):c.626_627delinsTT (p.Ala209Val)

Gene: CHRNA2 (cholinergic receptor nicotinic alpha 2 subunit; minus strand). Cytogenetic location: 8p21.2.
Variant type: Indel.
Coding change: c.626_627delinsTT on transcript NM_000742.4 (MANE Select); coding-DNA positions 626 to 627, CC replaced by TT.
Protein change: p.Ala209Val; replaces alanine 209 with valine.
Molecular consequence: missense variant.
Genome position (GRCh38, 1-based): chr8:27,463,816-27,463,817, GG replaced by AA on the plus strand (CC replaced by TT on the coding strand, the reverse complement: CHRNA2 is on the minus strand). VCF-style: chr8-27463816-GG-AA. GRCh37 (hg19) VCF-style: chr8-27321333-GG-AA.
Other names: c.581_582delinsTT, p.Ala194Val (NM_001282455.2); c.149_150delinsTT, p.Ala50Val (NM_001347705.2, NM_001347706.2); c.32_33delinsTT, p.Ala11Val (NM_001347707.2, NM_001347708.2); short protein forms A11V, A194V, A209V, A50V.
Identifiers: ClinVar variation 4797899 (VCV004797899.1).

ClinVar aggregate classification (germline): Uncertain significance (1 of 4 stars; one submission).

Conditions:
Familial sleep-related hypermotor epilepsy. Also called: Autosomal Dominant Sleep-Related Hypermotor (Hyperkinetic) Epilepsy. Identifiers: Orphanet 98784, MedGen C3696898, MONDO:0000030.

Submission:

Labcorp Genetics (formerly Invitae), Labcorp
Classification: Uncertain significance. Last evaluated: 2025-03-19. Review status: criteria provided, single submitter. Criteria: Invitae Variant Classification Sherloc (09022015). Collection method: clinical testing. Allele origin: germline.
Comment: This sequence change replaces alanine, which is neutral and non-polar, with valine, which is neutral and non-polar, at codon 209 of the CHRNA2 protein (p.Ala209Val). Information on the frequency of this variant in the gnomAD database is not available, as this variant may be reported differently in the database. This variant has not been reported in the literature in individuals affected with CHRNA2-related conditions. An algorithm developed to predict the effect of missense changes on protein structure and function (PolyPhen-2) suggests that this variant is likely to be disruptive. In summary, the available evidence is currently insufficient to determine the role of this variant in disease. Therefore, it has been classified as a Variant of Uncertain Significance.